The following is an entry in ClinVar:

NM_007126.5(VCP):c.2161-4A>G

Gene: VCP (valosin containing protein; minus strand). Cytogenetic location: 9p13.3.
Variant type: single nucleotide variant.
Coding change: c.2161-4A>G on transcript NM_007126.5 (MANE Select); 4 bases into the intron before coding-DNA position 2161, A replaced by G.
Molecular consequence: intron variant.
Genome position (GRCh38, 1-based): chr9:35,057,534, T>C on the plus strand (A>G on the coding strand, the complement: VCP is on the minus strand). VCF-style: chr9-35057534-T-C. GRCh37 (hg19) VCF-style: chr9-35057531-T-C.
Other names: c.2026-4A>G (NM_001354927.2, NM_001354928.2).
Identifiers: ClinVar variation 1531243 (VCV001531243.11), dbSNP rs1260699314, ClinGen allele CA587568770.

ClinVar aggregate classification (germline): Conflicting classifications of pathogenicity. Review status: criteria provided, conflicting classifications (1 of 4 stars). 3 submissions from 3 submitters: Uncertain significance (1); Likely benign (2). Last evaluated 2025-01-28.

Conditions:
VCP-related disorder. Also called: VCP-related condition; VCP-related disorders.
Inborn genetic diseases. Identifiers: MedGen C0950123, MeSH D030342.
Frontotemporal dementia and/or amyotrophic lateral sclerosis 6 (FTDALS6). Also called: VCP-Related Amyotrophic Lateral Sclerosis; VCP-Related Amyotrophic Lateral Sclerosis/Frontotemporal Dementia. Identifiers: Orphanet 275872, Orphanet 803, MedGen C5436279, MONDO:0013501, OMIM 613954.
Inclusion body myopathy with Paget disease of bone and frontotemporal dementia. Also called: Inclusion body myopathy with early-onset Paget disease and frontotemporal dementia. Identifiers: Orphanet 52430, MedGen C1833662, MONDO:0000507.

Allele frequency attached by ClinVar (database versions not stated): gnomAD exomes below 0.00001 and 0.00002; TOPMed 0.00001; gnomAD 0.00002.
gnomAD v4.1: 37 of 1,607,922 alleles (0.0023%); highest among the groups gnomAD compares: Middle Eastern, 0.033%; no homozygotes.

Submissions (3):

PreventionGenetics, part of Exact Sciences
Classification: Likely benign for VCP-related condition. Last evaluated: 2025-01-28. Review status: criteria provided, single submitter. Criteria: ACMG Guidelines, 2015. Collection method: clinical testing. Allele origin: germline.
Comment: This variant is classified as likely benign based on ACMG/AMP sequence variant interpretation guidelines (Richards et al. 2015 PMID: 25741868, with internal and published modifications).

Labcorp Genetics (formerly Invitae), Labcorp
Classification: Likely benign for Inclusion body myopathy with Paget disease of bone and frontotemporal dementia; Frontotemporal dementia and/or amyotrophic lateral sclerosis 6. Last evaluated: 2024-03-27. Review status: criteria provided, single submitter. Criteria: Invitae Variant Classification Sherloc (09022015). Collection method: clinical testing. Allele origin: germline.

Ambry Genetics
Classification: Uncertain significance for Inborn genetic diseases. Last evaluated: 2021-03-20. Review status: criteria provided, single submitter. Criteria: Ambry Variant Classification Scheme 2023. Collection method: clinical testing. Allele origin: germline.
Comment: The c.2161-4A>G intronic variant results from an A to G substitution 4 nucleotides upstream from coding exon 16 in the VCP gene. This nucleotide position is not well conserved in available vertebrate species. In silico splice site analysis predicts that this alteration will not have any significant effect on splicing. Since supporting evidence is limited at this time, the clinical significance of this alteration remains unclear.